The following is an entry in ClinVar:

ClinVar aggregate classification (germline): Likely benign (1 of 4 stars; one submission).

gnomAD v4.1: 5,005 of 1,598,998 alleles (0.31%); highest among the groups gnomAD compares: Non-Finnish European, 0.35%; 21 homozygotes.

Submission:

CeGaT Center for Human Genetics Tuebingen
Classification: Likely benign. Last evaluated: 2026-04-01. Review status: criteria provided, single submitter. Criteria: CeGaT Center For Human Genetics Tuebingen Variant Classification Criteria Version 2. Collection method: clinical testing. Allele origin: germline. Affected: yes. Observed: 2 variant alleles.
Comment: MUC5B: BP4, BS2

NM_002458.3(MUC5B):c.7882C>T (p.Arg2628Cys)

Genes: MUC5B (mucin 5B, oligomeric mucus/gel-forming; plus strand), MUC5B-AS1 (MUC5B antisense RNA 1; minus strand). Cytogenetic location: 11p15.5.
Variant type: single nucleotide variant.
Coding change: c.7882C>T on transcript NM_002458.3 (MANE Select); coding-DNA position 7882, C replaced by T.
Protein change: p.Arg2628Cys; replaces arginine 2628 with cysteine.
Molecular consequence: missense variant.
Genome position (GRCh38, 1-based): chr11:1,244,762, C>T. VCF-style: chr11-1244762-C-T. GRCh37 (hg19) VCF-style: chr11-1265992-C-T.
Other names: short protein forms R2628C.
Identifiers: ClinVar variation 3904949 (VCV003904949.10).
Genomic context (GRCh38, chr11:1,244,762, plus strand): 5'-GTGCTGACTACCACAACCACGGGCTTCACAGCCACCCCCTCCTCCAGCCCAGGGACGGCA[C>T]GCACGCTTCCAGTGTGGATCAGCACAACCACCACACCCACAACCAGAGGTTCCACGGTGA-3'
Protein context (NP_002449.2, residues 2618-2638): ATPSSSPGTA[Arg2628Cys]TLPVWISTTT